The following is an entry in ClinVar:

NM_003737.4(DCHS1):c.4519C>T (p.Pro1507Ser)

Gene: DCHS1 (dachsous cadherin-related 1; minus strand). Cytogenetic location: 11p15.4.
Variant type: single nucleotide variant.
Coding change: c.4519C>T on transcript NM_003737.4 (MANE Select); coding-DNA position 4519, C replaced by T.
Protein change: p.Pro1507Ser; replaces proline 1507 with serine.
Molecular consequence: missense variant.
Genome position (GRCh38, 1-based): chr11:6,630,275, G>A on the plus strand (C>T on the coding strand, the complement: DCHS1 is on the minus strand). VCF-style: chr11-6630275-G-A. GRCh37 (hg19) VCF-style: chr11-6651506-G-A.
Other names: short protein forms P1507S.
Identifiers: ClinVar variation 1448290 (VCV001448290.8), dbSNP rs1367391970, ClinGen allele CA379404296.

ClinVar aggregate classification (germline): Uncertain significance (1 of 4 stars; one submission).

Allele frequency attached by ClinVar (database versions not stated): gnomAD 0.00001; TOPMed 0.00001.
gnomAD v4.1: 13 of 1,531,342 alleles (0.00085%); highest among the groups gnomAD compares: Non-Finnish European, 0.0011%; no homozygotes.

Submission:

Labcorp Genetics (formerly Invitae), Labcorp
Classification: Uncertain significance. Last evaluated: 2026-01-08. Review status: criteria provided, single submitter. Criteria: Invitae Variant Classification Sherloc (09022015). Collection method: clinical testing. Allele origin: germline.
Comment: This sequence change replaces proline, which is neutral and non-polar, with serine, which is neutral and polar, at codon 1507 of the DCHS1 protein (p.Pro1507Ser). This variant is not present in population databases (gnomAD no frequency). This variant has not been reported in the literature in individuals affected with DCHS1-related conditions. ClinVar contains an entry for this variant (Variation ID: 1448290). Invitae Evidence Modeling of protein sequence and biophysical properties (such as structural, functional, and spatial information, amino acid conservation, physicochemical variation, residue mobility, and thermodynamic stability) has been performed for this missense variant. However, the output from this modeling did not meet the statistical confidence thresholds required to predict the impact of this variant on DCHS1 protein function. In summary, the available evidence is currently insufficient to determine the role of this variant in disease. Therefore, it has been classified as a Variant of Uncertain Significance.